The following is an entry in ClinVar:

ClinVar aggregate classification (germline): Uncertain significance (1 of 4 stars; one submission).

Conditions:
Congenital hyperammonemia, type I. Also called: CPS I DEFICIENCY; Carbamoyl-phosphate synthase I deficiency; Carbamoyl phosphate synthetase I deficiency disease; Carbamoyl phosphate synthetase 1 deficiency; Hyperammonemia due to carbamoyl phosphate synthetase 1 deficiency; CPS 1 deficiency. Identifiers: Orphanet 147, MedGen C4082171, MONDO:0009376, OMIM 237300.

Submission:

Labcorp Genetics (formerly Invitae), Labcorp
Classification: Uncertain significance for Congenital hyperammonemia, type I. Last evaluated: 2023-05-15. Review status: criteria provided, single submitter. Criteria: Invitae Variant Classification Sherloc (09022015). Collection method: clinical testing. Allele origin: germline.
Comment: In summary, the available evidence is currently insufficient to determine the role of this variant in disease. Therefore, it has been classified as a Variant of Uncertain Significance. Advanced modeling of protein sequence and biophysical properties (such as structural, functional, and spatial information, amino acid conservation, physicochemical variation, residue mobility, and thermodynamic stability) performed at Invitae indicates that this missense variant is not expected to disrupt CPS1 protein function. ClinVar contains an entry for this variant (Variation ID: 2168107). This variant has not been reported in the literature in individuals affected with CPS1-related conditions. This variant is not present in population databases (gnomAD no frequency). This sequence change replaces serine, which is neutral and polar, with arginine, which is basic and polar, at codon 137 of the CPS1 protein (p.Ser137Arg).

NM_001875.5(CPS1):c.411T>A (p.Ser137Arg)

Gene: CPS1 (carbamoyl-phosphate synthase 1; plus strand). Cytogenetic location: 2q34.
Variant type: single nucleotide variant.
Coding change: c.411T>A on transcript NM_001875.5 (MANE Select); coding-DNA position 411, T replaced by A.
Protein change: p.Ser137Arg; replaces serine 137 with arginine.
Molecular consequence: missense variant. On other transcripts: non-coding transcript variant (1).
Genome position (GRCh38, 1-based): chr2:210,577,450, T>A. VCF-style: chr2-210577450-T-A. GRCh37 (hg19) VCF-style: chr2-211442174-T-A.
Other names: c.411T>A, p.Ser137Arg (NM_001122633.3, NM_001369257.1); c.444T>A, p.Ser148Arg (NM_001369256.1); short protein forms S137R, S148R.
Identifiers: ClinVar variation 2168107 (VCV002168107.2), dbSNP rs2469087937, ClinGen allele CA350424816.